The following is an entry in ClinVar:

NM_020227.4(PRDM9):c.2583C>T (p.Val861=)

Gene: PRDM9 (PR/SET domain 9; plus strand). Cytogenetic location: 5p14.2.
Variant type: single nucleotide variant.
Coding change: c.2583C>T on transcript NM_020227.4 (MANE Select); coding-DNA position 2583, C replaced by T.
Protein change: p.Val861=; no amino-acid change (valine 861 retained).
Molecular consequence: synonymous variant.
Genome position (GRCh38, 1-based): chr5:23,527,671, C>T. VCF-style: chr5-23527671-C-T. GRCh37 (hg19) VCF-style: chr5-23527780-C-T.
Other names: c.2583C>T, p.Val861= (NM_001310214.3, NM_001376900.1).
Identifiers: ClinVar variation 2655374 (VCV002655374.24), dbSNP rs751606380, ClinGen allele CA3215193.

ClinVar aggregate classification (germline): Likely benign (1 of 4 stars; one submission).

Allele frequency attached by ClinVar (database versions not stated): ExAC 0.00002.

Submission:

CeGaT Center for Human Genetics Tuebingen
Classification: Likely benign. Last evaluated: 2022-11-01. Review status: criteria provided, single submitter. Criteria: CeGaT Center For Human Genetics Tuebingen Variant Classification Criteria Version 2. Collection method: clinical testing. Allele origin: germline. Affected: yes. Observed: 1 variant allele.
Comment: PRDM9: BP4, BP7